The following is an entry in ClinVar:

NM_000218.3(KCNQ1):c.1806G>A (p.Leu602=)

Genes: KCNQ1 (potassium voltage-gated channel subfamily Q member 1; plus strand), KCNQ1-AS1 (KCNQ1 antisense RNA 1; minus strand). Cytogenetic location: 11p15.4.
Variant type: single nucleotide variant.
Coding change: c.1806G>A on transcript NM_000218.3 (MANE Select); coding-DNA position 1806, G replaced by A.
Protein change: p.Leu602=; no amino-acid change (leucine 602 retained).
Molecular consequence: synonymous variant.
Genome position (GRCh38, 1-based): chr11:2,847,778, G>A. VCF-style: chr11-2847778-G-A. GRCh37 (hg19) VCF-style: chr11-2869008-G-A.
Other names: c.1710G>A, p.Leu570= (NM_001406836.1); c.1536G>A, p.Leu512= (NM_001406837.1); c.1266G>A, p.Leu422= (NM_001406838.1); c.318G>A, p.Leu106= (NM_001406839.1); c.1425G>A, p.Leu475= (NM_181798.2).
Identifiers: ClinVar variation 381973 (VCV000381973.9), dbSNP rs991680454, ClinGen allele CA16606230.
Genomic context (GRCh38, chr11:2,847,778, plus strand): 5'-CCTGGGTGCTTCCCACCACTGACTCTCTCGTCTGCCTTTGTCCCCGCAGGTGACGCAGCT[G>A]GACCAGAGGCTGGCACTCATCACCGACATGCTTCACCAGCTGCTCTCCTTGCACGGTGGC-3'
Protein context (NP_000209.2, residues 592-612): LNRVEDKVTQ[Leu602=]DQRLALITDM

ClinVar aggregate classification (germline): Conflicting classifications of pathogenicity. Review status: criteria provided, conflicting classifications (1 of 4 stars). 3 submissions from 3 submitters: Uncertain significance (1); Likely benign (2). Last evaluated 2025-04-10.

Conditions:
Long QT syndrome (LQTS). Identifiers: MedGen C0023976, MeSH D008133, MONDO:0002442. Disease mechanism: loss of function. Inheritance: Various modes of inheritance.
Cardiovascular phenotype. Identifiers: MedGen CN230736.

Allele frequency attached by ClinVar (database versions not stated): gnomAD exomes below 0.00001 and 0.00001; gnomAD 0.00001; TOPMed 0.00002.
gnomAD v4.1: 3 of 1,573,794 alleles (0.00019%); highest among the groups gnomAD compares: Admixed American, 0.0037%; no homozygotes.

Submissions (3):

Labcorp Genetics (formerly Invitae), Labcorp
Classification: Likely benign for Long QT syndrome. Last evaluated: 2025-04-10. Review status: criteria provided, single submitter. Criteria: Invitae Variant Classification Sherloc (09022015). Collection method: clinical testing. Allele origin: germline.

GeneDx
Classification: Uncertain significance. Last evaluated: 2025-01-06. Review status: criteria provided, single submitter. Criteria: GeneDx Variant Classification Process June 2021. Collection method: clinical testing. Allele origin: germline. Affected: yes.
Comment: Not observed at significant frequency in large population cohorts (gnomAD); In silico analysis indicates that this variant does not alter splicing; Has not been previously published as pathogenic or benign to our knowledge

Ambry Genetics
Classification: Likely benign for Cardiovascular phenotype. Last evaluated: 2020-03-26. Review status: criteria provided, single submitter. Criteria: Ambry Variant Classification Scheme 2023. Collection method: clinical testing. Allele origin: germline.